The following is an entry in ClinVar:

NM_170699.3(GPBAR1):c.606G>A (p.Leu202=)

Gene: GPBAR1 (G protein-coupled bile acid receptor 1; plus strand). Cytogenetic location: 2q35.
Variant type: single nucleotide variant.
Coding change: c.606G>A on transcript NM_170699.3 (MANE Select); coding-DNA position 606, G replaced by A.
Protein change: p.Leu202=; no amino-acid change (leucine 202 retained).
Molecular consequence: synonymous variant.
Genome position (GRCh38, 1-based): chr2:218,263,330, G>A. VCF-style: chr2-218263330-G-A. GRCh37 (hg19) VCF-style: chr2-219128053-G-A.
Other names: c.606G>A, p.Leu202= (NM_001077191.2, NM_001077194.2, NM_001321950.2).
Identifiers: ClinVar variation 3053657 (VCV003053657.2), dbSNP rs532575824, ClinGen allele CA2102634.

ClinVar aggregate classification (germline): Likely benign (0 of 4 stars; one submission).

Conditions:
GPBAR1-related disorder. Also called: GPBAR1-related condition.

Allele frequency attached by ClinVar (database versions not stated): gnomAD exomes 0.00006; gnomAD 0.00009; TOPMed 0.00012; ExAC 0.00040; 1000 Genomes Project 30x 0.00094; 1000 Genomes Project 0.00100.

Submission:

PreventionGenetics, part of Exact Sciences
Classification: Likely benign for GPBAR1-related condition. Last evaluated: 2019-10-28. Review status: no assertion criteria provided. Collection method: clinical testing. Allele origin: germline.
Comment: This variant is classified as likely benign based on ACMG/AMP sequence variant interpretation guidelines (Richards et al. 2015 PMID: 25741868, with internal and published modifications).